The following is an entry in ClinVar:

NM_022835.3(PLEKHG2):c.2072G>A (p.Cys691Tyr)

Gene: PLEKHG2 (pleckstrin homology and RhoGEF domain containing G2; plus strand). Cytogenetic location: 19q13.2.
Variant type: single nucleotide variant.
Coding change: c.2072G>A on transcript NM_022835.3 (MANE Select); coding-DNA position 2072, G replaced by A.
Protein change: p.Cys691Tyr; replaces cysteine 691 with tyrosine.
Molecular consequence: missense variant. On other transcripts: intron variant (1).
Genome position (GRCh38, 1-based): chr19:39,423,126, G>A. VCF-style: chr19-39423126-G-A. GRCh37 (hg19) VCF-style: chr19-39913766-G-A.
Other names: c.1895G>A, p.Cys632Tyr (NM_001351693.2); c.1677+838G>A (NM_001351694.2); short protein forms C632Y, C691Y.
Identifiers: ClinVar variation 1714024 (VCV001714024.6), dbSNP rs1477203816, ClinGen allele CA405796963.
Genomic context (GRCh38, chr19:39,423,126, plus strand): 5'-TTCCAGCCATACCTAGTGTCCCCAACACCCCCAGTCTGTCTAGCACTCCCACCCTCTCCT[G>A]TGACTCCTGGCTCCAAGGGCCTCTGCAGGAACCAGCTGAGGCTCCAGCCACCAGGAGAGA-3'
Protein context (NP_073746.2, residues 681-701): PSLSSTPTLS[Cys691Tyr]DSWLQGPLQE

ClinVar aggregate classification (germline): Uncertain significance (1 of 4 stars; one submission).

Submission:

Labcorp Genetics (formerly Invitae), Labcorp
Classification: Uncertain significance. Last evaluated: 2024-10-07. Review status: criteria provided, single submitter. Criteria: Invitae Variant Classification Sherloc (09022015). Collection method: clinical testing. Allele origin: germline.
Comment: This sequence change replaces cysteine, which is neutral and slightly polar, with tyrosine, which is neutral and polar, at codon 691 of the PLEKHG2 protein (p.Cys691Tyr). This variant is not present in population databases (gnomAD no frequency). This variant has not been reported in the literature in individuals affected with PLEKHG2-related conditions. ClinVar contains an entry for this variant (Variation ID: 1714024). An algorithm developed to predict the effect of missense changes on protein structure and function (PolyPhen-2) suggests that this variant is likely to be disruptive. In summary, the available evidence is currently insufficient to determine the role of this variant in disease. Therefore, it has been classified as a Variant of Uncertain Significance.